The following is an entry in ClinVar:

ClinVar aggregate classification (germline): Uncertain significance (1 of 4 stars; one submission).

Submission:

Labcorp Genetics (formerly Invitae), Labcorp
Classification: Uncertain significance. Last evaluated: 2024-08-29. Review status: criteria provided, single submitter. Criteria: Invitae Variant Classification Sherloc (09022015). Collection method: clinical testing. Allele origin: germline.
Comment: This sequence change falls in intron 23 of the ANK1 gene. It does not directly change the encoded amino acid sequence of the ANK1 protein. It affects a nucleotide within the consensus splice site. This variant is not present in population databases (gnomAD no frequency). This variant has not been reported in the literature in individuals affected with ANK1-related conditions. Variants that disrupt the consensus splice site are a relatively common cause of aberrant splicing (PMID: 17576681, 9536098). Algorithms developed to predict the effect of sequence changes on RNA splicing suggest that this variant may disrupt the consensus splice site. In summary, the available evidence is currently insufficient to determine the role of this variant in disease. Therefore, it has been classified as a Variant of Uncertain Significance.

Literature cited by the submitters: PubMed 17576681; PubMed 9536098.

NM_000037.4(ANK1):c.2559-3C>G

Gene: ANK1 (ankyrin 1; minus strand). Cytogenetic location: 8p11.21.
Variant type: single nucleotide variant.
Coding change: c.2559-3C>G on transcript NM_000037.4 (MANE Select); 3 bases into the intron before coding-DNA position 2559, C replaced by G.
Molecular consequence: intron variant.
Genome position (GRCh38, 1-based): chr8:41,698,124, G>C on the plus strand (C>G on the coding strand, the complement: ANK1 is on the minus strand). VCF-style: chr8-41698124-G-C. GRCh37 (hg19) VCF-style: chr8-41555642-G-C.
Other names: c.2682-3C>G (NM_001142446.2); c.2559-3C>G (NM_020477.3, NM_020475.3, NM_020476.3).
Identifiers: ClinVar variation 3663849 (VCV003663849.2).